The following is an entry in ClinVar:

NM_172364.5(CACNA2D4):c.911G>A (p.Gly304Glu)

Gene: CACNA2D4 (calcium voltage-gated channel auxiliary subunit alpha2delta 4; minus strand). Cytogenetic location: 12p13.33.
Variant type: single nucleotide variant.
Coding change: c.911G>A on transcript NM_172364.5 (MANE Select); coding-DNA position 911, G replaced by A.
Protein change: p.Gly304Glu; replaces glycine 304 with glutamic acid.
Molecular consequence: missense variant.
Genome position (GRCh38, 1-based): chr12:1,886,305, C>T on the plus strand (G>A on the coding strand, the complement: CACNA2D4 is on the minus strand). VCF-style: chr12-1886305-C-T. GRCh37 (hg19) VCF-style: chr12-1995471-C-T.
Other names: short protein forms G304E.
Identifiers: ClinVar variation 854020 (VCV000854020.13), dbSNP rs374471043, ClinGen allele CA6387362.

ClinVar aggregate classification (germline): Uncertain significance. Review status: criteria provided, multiple submitters, no conflicts (2 of 4 stars). 3 submissions from 3 submitters: Uncertain significance (3). Last evaluated 2025-12-08.

Conditions:
Inborn genetic diseases. Identifiers: MedGen C0950123, MeSH D030342.

Allele frequency attached by ClinVar (database versions not stated): gnomAD exomes below 0.00001 and 0.00002; ExAC 0.00003; TOPMed 0.00004; gnomAD 0.00005 and 0.00006; ESP Exome Variant Server 0.00016.
gnomAD v4.1: 9 of 1,613,586 alleles (0.00056%); highest among the groups gnomAD compares: African/African-American, 0.012%; no homozygotes.

Submissions (3):

Labcorp Genetics (formerly Invitae), Labcorp
Classification: Uncertain significance. Last evaluated: 2025-12-08. Review status: criteria provided, single submitter. Criteria: Invitae Variant Classification Sherloc (09022015). Collection method: clinical testing. Allele origin: germline.
Comment: This sequence change replaces glycine, which is neutral and non-polar, with glutamic acid, which is acidic and polar, at codon 304 of the CACNA2D4 protein (p.Gly304Glu). This variant is present in population databases (rs374471043, gnomAD 0.02%). This variant has not been reported in the literature in individuals affected with CACNA2D4-related conditions. ClinVar contains an entry for this variant (Variation ID: 854020). An algorithm developed to predict the effect of missense changes on protein structure and function (PolyPhen-2) suggests that this variant is likely to be disruptive. In summary, the available evidence is currently insufficient to determine the role of this variant in disease. Therefore, it has been classified as a Variant of Uncertain Significance.

Ambry Genetics
Classification: Uncertain significance for Inborn genetic diseases. Last evaluated: 2025-11-24. Review status: criteria provided, single submitter. Criteria: Ambry Variant Classification Scheme 2023. Collection method: clinical testing. Allele origin: germline.

Blueprint Genetics
Classification: Uncertain significance. Last evaluated: 2020-09-08. Review status: criteria provided, single submitter. Criteria: ACMG Guidelines, 2015. Collection method: clinical testing. Allele origin: germline.